The following is an entry in ClinVar:

NM_002857.4(PEX19):c.*1471A>T

Gene: PEX19 (peroxisomal biogenesis factor 19; minus strand). Cytogenetic location: 1q23.2.
Variant type: single nucleotide variant.
Coding change: c.*1471A>T on transcript NM_002857.4 (MANE Select); 1471 bases downstream of the stop codon, A replaced by T.
Molecular consequence: 3 prime UTR variant. On other transcripts: non-coding transcript variant (2).
Genome position (GRCh38, 1-based): chr1:160,278,080, T>A on the plus strand (A>T on the coding strand, the complement: PEX19 is on the minus strand). VCF-style: chr1-160278080-T-A. GRCh37 (hg19) VCF-style: chr1-160247870-T-A.
Other names: c.*1479A>T (NM_001193644.1).
Identifiers: ClinVar variation 874148 (VCV000874148.5), dbSNP rs2301299, ClinGen allele CA1197104.

ClinVar aggregate classification (germline): Benign. Review status: criteria provided, multiple submitters, no conflicts (2 of 4 stars). 2 submissions from 2 submitters: Benign (2). Last evaluated 2017-04-27.

Conditions:
Peroxisome biogenesis disorder 12A (Zellweger). Also called: Peroxisome biogenesis disorder 12A. Identifiers: Orphanet 912, MedGen C3554002, MONDO:0013951, OMIM 614886.

Allele frequency attached by ClinVar (database versions not stated): ExAC 0.00037; gnomAD 0.00133 and 0.00181; TOPMed 0.00286; gnomAD exomes 0.00555; 1000 Genomes Project 30x 0.00609; 1000 Genomes Project 0.00619.
gnomAD v4.1: 2,338 of 702,516 alleles (0.33%); highest among the groups gnomAD compares: East Asian, 4%; 32 homozygotes.

Submissions (2):

Illumina Laboratory Services, Illumina
Classification: Benign for Peroxisome biogenesis disorder 12A (Zellweger). Last evaluated: 2017-04-27. Review status: criteria provided, single submitter. Criteria: ICSL Variant Classification Criteria 13 December 2019. Collection method: clinical testing. Allele origin: germline.
Comment: This variant was observed as part of a predisposition screen in an ostensibly healthy population. A literature search was performed for the gene, cDNA change, and amino acid change (where applicable). No publications were found based on this search. Allele frequency data from public databases was too high to be consistent with this variant causing disease. Therefore, this variant is classified as benign.

Breakthrough Genomics
Classification: Benign. Review status: criteria provided, single submitter. Criteria: ACMG Guidelines, 2015. Collection method: not provided. Allele origin: germline. Inheritance: Autosomal recessive inheritance. Affected: yes.